The following is an entry in ClinVar:

ClinVar aggregate classification (germline): Uncertain significance. Review status: criteria provided, multiple submitters, no conflicts (2 of 4 stars). 2 submissions from 2 submitters: Uncertain significance (2). Last evaluated 2023-12-25.

Conditions:
Inborn genetic diseases. Identifiers: MedGen C0950123, MeSH D030342.

Allele frequency attached by ClinVar (database versions not stated): gnomAD 0.00001; gnomAD exomes 0.00001; TOPMed 0.00002; ExAC 0.00004.
gnomAD v4.1: 25 of 1,607,098 alleles (0.0016%); highest among the groups gnomAD compares: Middle Eastern, 0.017%; no homozygotes.

Submissions (2):

GeneDx
Classification: Uncertain significance. Last evaluated: 2023-12-25. Review status: criteria provided, single submitter. Criteria: GeneDx Variant Classification Process June 2021. Collection method: clinical testing. Allele origin: germline. Affected: yes.
Comment: In silico analysis supports that this missense variant has a deleterious effect on protein structure/function; Has not been previously published as pathogenic or benign to our knowledge

Ambry Genetics
Classification: Uncertain significance for Inborn genetic diseases. Last evaluated: 2022-11-21. Review status: criteria provided, single submitter. Criteria: Ambry Variant Classification Scheme 2023. Collection method: clinical testing. Allele origin: germline.

NM_001330588.2(TPP2):c.2876T>C (p.Ile959Thr)

Gene: TPP2 (tripeptidyl peptidase 2; plus strand). Cytogenetic location: 13q33.1.
Variant type: single nucleotide variant.
Coding change: c.2876T>C on transcript NM_001330588.2 (MANE Select); coding-DNA position 2876, T replaced by C.
Protein change: p.Ile959Thr; replaces isoleucine 959 with threonine.
Molecular consequence: missense variant. On other transcripts: non-coding transcript variant (1).
Genome position (GRCh38, 1-based): chr13:102,649,410, T>C. VCF-style: chr13-102649410-T-C. GRCh37 (hg19) VCF-style: chr13-103301760-T-C.
Other names: c.2876T>C, p.Ile959Thr (NM_001367947.1, NM_003291.4); short protein forms I959T.
Identifiers: ClinVar variation 2370568 (VCV002370568.3), dbSNP rs201771339, ClinGen allele CA7038108.